The following is an entry in ClinVar:

NM_000263.4(NAGLU):c.994A>G (p.Thr332Ala)

Gene: NAGLU (N-acetyl-alpha-glucosaminidase; plus strand). Cytogenetic location: 17q21.2.
Variant type: single nucleotide variant.
Coding change: c.994A>G on transcript NM_000263.4 (MANE Select); coding-DNA position 994, A replaced by G.
Protein change: p.Thr332Ala; replaces threonine 332 with alanine.
Molecular consequence: missense variant.
Genome position (GRCh38, 1-based): chr17:42,541,179, A>G. VCF-style: chr17-42541179-A-G. GRCh37 (hg19) VCF-style: chr17-40693197-A-G.
Other names: short protein forms T332A.
Identifiers: ClinVar variation 2155032 (VCV002155032.1), dbSNP rs1396937813, ClinGen allele CA399600372.

ClinVar aggregate classification (germline): Uncertain significance (1 of 4 stars; one submission).

Conditions:
Charcot-Marie-Tooth disease axonal type 2V. Also called: CHARCOT-MARIE-TOOTH NEUROPATHY, TYPE 2V; CHARCOT-MARIE-TOOTH DISEASE, AXONAL, AUTOSOMAL DOMINANT, TYPE 2V. Identifiers: Orphanet 447964, MedGen C5569050, MONDO:0014665, OMIM 616491.
Mucopolysaccharidosis, MPS-III-B (MPS3B). Also called: N-ACETYL-ALPHA-D-GLUCOSAMINIDASE DEFICIENCY; NAGLU DEFICIENCY; SANFILIPPO SYNDROME B; MPS III B; MUCOPOLYSACCHARIDOSIS, TYPE IIIB; MPS IIIB (Sanfilippo Syndrome Type B). Identifiers: Orphanet 79270, MedGen C0086648, MONDO:0009656, OMIM 252920.

Allele frequency attached by ClinVar (database versions not stated): gnomAD exomes 0.00002.
gnomAD v4.1: 30 of 1,613,262 alleles (0.0019%); highest among the groups gnomAD compares: Non-Finnish European, 0.0024%; no homozygotes.

Submission:

Labcorp Genetics (formerly Invitae), Labcorp
Classification: Uncertain significance for Charcot-Marie-Tooth disease axonal type 2V; Mucopolysaccharidosis, MPS-III-B. Last evaluated: 2022-10-12. Review status: criteria provided, single submitter. Criteria: Invitae Variant Classification Sherloc (09022015). Collection method: clinical testing. Allele origin: germline.
Comment: This sequence change replaces threonine, which is neutral and polar, with alanine, which is neutral and non-polar, at codon 332 of the NAGLU protein (p.Thr332Ala). This variant is present in population databases (no rsID available, gnomAD 0.004%). This variant has not been reported in the literature in individuals affected with NAGLU-related conditions. Advanced modeling of protein sequence and biophysical properties (such as structural, functional, and spatial information, amino acid conservation, physicochemical variation, residue mobility, and thermodynamic stability) performed at Invitae indicates that this missense variant is expected to disrupt NAGLU protein function. In summary, the available evidence is currently insufficient to determine the role of this variant in disease. Therefore, it has been classified as a Variant of Uncertain Significance.